The following is an entry in ClinVar:

ClinVar aggregate classification (germline): Uncertain significance (1 of 4 stars; one submission).

Submission:

GeneDx
Classification: Uncertain significance. Last evaluated: 2024-08-19. Review status: criteria provided, single submitter. Criteria: GeneDx Variant Classification Process June 2021. Collection method: clinical testing. Allele origin: germline.
Comment: Not observed at significant frequency in large population cohorts (gnomAD); In silico analysis indicates that this variant does not alter splicing; Has not been previously published as pathogenic or benign to our knowledge; Variants in candidate genes are classified as variants of uncertain significance in accordance with ACMG guidelines (PMID: 25741868)

NM_004839.4(HOMER2):c.585C>A (p.Ala195=)

Gene: HOMER2 (homer scaffold protein 2; minus strand). Cytogenetic location: 15q25.2.
Variant type: single nucleotide variant.
Coding change: c.585C>A on transcript NM_004839.4 (MANE Select); coding-DNA position 585, C replaced by A.
Protein change: p.Ala195=; no amino-acid change (alanine 195 retained).
Molecular consequence: synonymous variant.
Genome position (GRCh38, 1-based): chr15:82,854,710, G>T on the plus strand (C>A on the coding strand, the complement: HOMER2 is on the minus strand). VCF-style: chr15-82854710-G-T. GRCh37 (hg19) VCF-style: chr15-83523462-G-T.
Other names: c.618C>A, p.Ala206= (NM_199330.3).
Identifiers: ClinVar variation 4976705 (VCV004976705.1).
Genomic context (GRCh38, chr15:82,854,710, plus strand): 5'-GCGGAGCCGGTCATTCTCATCACGGCAGATGGAGAACTGCCTCTTCCACTGCTCCACACT[G>T]GCTGCCGACTCCTGCAGTGCTGTGGTCAGCCGTGCATTGCTCTCCCGAAGGGTCTGCAGC-3'
Protein context (NP_004830.2, residues 185-205): RLTTALQESA[Ala195=]SVEQWKRQFS